The following is an entry in ClinVar:

NM_017780.4(CHD7):c.8844A>C (p.Lys2948Asn)

Gene: CHD7 (chromodomain helicase DNA binding protein 7; plus strand). Cytogenetic location: 8q12.2.
Variant type: single nucleotide variant.
Coding change: c.8844A>C on transcript NM_017780.4 (MANE Select); coding-DNA position 8844, A replaced by C.
Protein change: p.Lys2948Asn; replaces lysine 2948 with asparagine.
Molecular consequence: missense variant.
Genome position (GRCh38, 1-based): chr8:60,865,783, A>C. VCF-style: chr8-60865783-A-C. GRCh37 (hg19) VCF-style: chr8-61778342-A-C.
Other names: c.2697A>C, p.Lys899Asn (NM_001316690.1); short protein forms K899N, K2948N.
Identifiers: ClinVar variation 1764862 (VCV001764862.2), dbSNP rs2488153560, ClinGen allele CA371312489.

ClinVar aggregate classification (germline): Uncertain significance (1 of 4 stars; one submission).

Conditions:
Inborn genetic diseases. Identifiers: MedGen C0950123, MeSH D030342.

Submission:

Ambry Genetics
Classification: Uncertain significance for Inborn genetic diseases. Last evaluated: 2019-03-18. Review status: criteria provided, single submitter. Criteria: Ambry Variant Classification Scheme 2023. Collection method: clinical testing. Allele origin: germline.
Comment: The p.K2948N variant (also known as c.8844A>C), located in coding exon 37 of the CHD7 gene, results from an A to C substitution at nucleotide position 8844. The lysine at codon 2948 is replaced by asparagine, an amino acid with similar properties. This amino acid position is not well conserved in available vertebrate species. In addition, this alteration is predicted to be tolerated by in silico analysis. Since supporting evidence is limited at this time, the clinical significance of this alteration remains unclear.